The following is an entry in ClinVar:

ClinVar aggregate classification (germline): Uncertain significance. Review status: criteria provided, multiple submitters, no conflicts (2 of 4 stars). 2 submissions from 2 submitters: Uncertain significance (2). Last evaluated 2025-03-27.

Conditions:
Inborn genetic diseases. Identifiers: MedGen C0950123, MeSH D030342.

Allele frequency attached by ClinVar (database versions not stated): gnomAD 0.00009 and 0.00008; ESP Exome Variant Server 0.00008; TOPMed 0.00010.
gnomAD v4.1: 144 of 1,614,106 alleles (0.0089%); highest among the groups gnomAD compares: Non-Finnish European, 0.012%; no homozygotes.

Submissions (2):

Ambry Genetics
Classification: Uncertain significance for Inborn genetic diseases. Last evaluated: 2025-03-27. Review status: criteria provided, single submitter. Criteria: Ambry Variant Classification Scheme 2023. Collection method: clinical testing. Allele origin: germline.

Labcorp Genetics (formerly Invitae), Labcorp
Classification: Uncertain significance. Last evaluated: 2024-12-02. Review status: criteria provided, single submitter. Criteria: Invitae Variant Classification Sherloc (09022015). Collection method: clinical testing. Allele origin: germline.
Comment: This sequence change replaces histidine, which is basic and polar, with glutamine, which is neutral and polar, at codon 170 of the JAM3 protein (p.His170Gln). This variant is present in population databases (rs138214860, gnomAD 0.02%). This variant has not been reported in the literature in individuals affected with JAM3-related conditions. ClinVar contains an entry for this variant (Variation ID: 1351960). Invitae Evidence Modeling of protein sequence and biophysical properties (such as structural, functional, and spatial information, amino acid conservation, physicochemical variation, residue mobility, and thermodynamic stability) indicates that this missense variant is not expected to disrupt JAM3 protein function with a negative predictive value of 80%. In summary, the available evidence is currently insufficient to determine the role of this variant in disease. Therefore, it has been classified as a Variant of Uncertain Significance.

NM_032801.5(JAM3):c.510C>A (p.His170Gln)

Gene: JAM3 (junctional adhesion molecule 3; plus strand). Cytogenetic location: 11q25.
Variant type: single nucleotide variant.
Coding change: c.510C>A on transcript NM_032801.5 (MANE Select); coding-DNA position 510, C replaced by A.
Protein change: p.His170Gln; replaces histidine 170 with glutamine.
Molecular consequence: missense variant.
Genome position (GRCh38, 1-based): chr11:134,144,892, C>A. VCF-style: chr11-134144892-C-A. GRCh37 (hg19) VCF-style: chr11-134014787-C-A.
Other names: c.357C>A, p.His119Gln (NM_001205329.2); c.510C>A (NM_032801.4); short protein forms H170Q, H119Q.
Identifiers: ClinVar variation 1351960 (VCV001351960.6), dbSNP rs138214860, ClinGen allele CA6370070.